The following is an entry in ClinVar:

ClinVar aggregate classification (germline): Uncertain significance. Review status: criteria provided, multiple submitters, no conflicts (2 of 4 stars). 2 submissions from 2 submitters: Uncertain significance (2). Last evaluated 2025-08-23.

gnomAD v4.1: 8 of 1,566,534 alleles (0.00051%); highest among the groups gnomAD compares: African/African-American, 0.0068%; no homozygotes.

Submissions (2):

Ambry Genetics
Classification: Uncertain significance. Last evaluated: 2025-08-23. Review status: criteria provided, single submitter. Criteria: Ambry Variant Classification Scheme 2023. Collection method: clinical testing. Allele origin: germline.

Labcorp Genetics (formerly Invitae), Labcorp
Classification: Uncertain significance. Last evaluated: 2025-07-01. Review status: criteria provided, single submitter. Criteria: Invitae Variant Classification Sherloc (09022015). Collection method: clinical testing. Allele origin: germline.
Comment: This sequence change replaces leucine, which is neutral and non-polar, with valine, which is neutral and non-polar, at codon 15 of the CD164 protein (p.Leu15Val). This variant is present in population databases (rs369231757, gnomAD 0.04%). This variant has not been reported in the literature in individuals affected with CD164-related conditions. An algorithm developed to predict the effect of missense changes on protein structure and function (PolyPhen-2) suggests that this variant is likely to be tolerated. In summary, the available evidence is currently insufficient to determine the role of this variant in disease. Therefore, it has been classified as a Variant of Uncertain Significance.

NM_006016.6(CD164):c.43C>G (p.Leu15Val)

Gene: CD164 (CD164 molecule; minus strand). Cytogenetic location: 6q21.
Variant type: single nucleotide variant.
Coding change: c.43C>G on transcript NM_006016.6 (MANE Select); coding-DNA position 43, C replaced by G.
Protein change: p.Leu15Val; replaces leucine 15 with valine.
Molecular consequence: missense variant.
Genome position (GRCh38, 1-based): chr6:109,382,336, G>C on the plus strand (C>G on the coding strand, the complement: CD164 is on the minus strand). VCF-style: chr6-109382336-G-C. GRCh37 (hg19) VCF-style: chr6-109703539-G-C.
Other names: c.43C>G, p.Leu15Val (NM_001142401.3, NM_001142402.3, NM_001142403.3 and 1 more transcripts); short protein forms L15V.
Identifiers: ClinVar variation 4222592 (VCV004222592.2).